The following is an entry in ClinVar:

ClinVar aggregate classification (germline): Benign. Review status: criteria provided, multiple submitters, no conflicts (2 of 4 stars). 2 submissions from 2 submitters: Benign (2). Last evaluated 2018-01-12.

Conditions:
Hepatic methionine adenosyltransferase deficiency. Also called: MAT I/III DEFICIENCY; Methionine adenosyltransferase deficiency; Deficiency of methionine adenosyltransferase; Isolated Persistent Hypermethioninemia. Identifiers: Orphanet 168598, MedGen C0268621, MeSH C564683, MONDO:0009607, OMIM 250850.

Allele frequency attached by ClinVar (database versions not stated): 1000 Genomes Project 30x 0.01187; gnomAD 0.02471 and 0.02552; 1000 Genomes Project 0.01178; TOPMed 0.02311.
gnomAD v4.1: 18,832 of 694,976 alleles (2.7%); highest among the groups gnomAD compares: Non-Finnish European, 3.6%; 340 homozygotes.

Submissions (2):

Illumina Laboratory Services, Illumina
Classification: Benign for Hepatic methionine adenosyltransferase deficiency. Last evaluated: 2018-01-12. Review status: criteria provided, single submitter. Criteria: ICSL Variant Classification Criteria 13 December 2019. Collection method: clinical testing. Allele origin: germline.
Comment: This variant was observed in the ICSL laboratory as part of a predisposition screen in an ostensibly healthy population. It had not been previously curated by ICSL or reported in the Human Gene Mutation Database (HGMD: prior to June 1st, 2018), and was therefore a candidate for classification through an automated scoring system. Utilizing variant allele frequency, disease prevalence and penetrance estimates, and inheritance mode, an automated score was calculated to assess if this variant is too frequent to cause the disease. Based on the score and internal cut-off values, a variant classified as benign is not then subjected to further curation. The score for this variant resulted in a classification of benign for this disease.

Breakthrough Genomics
Classification: Benign. Review status: criteria provided, single submitter. Criteria: ACMG Guidelines, 2015. Collection method: not provided. Allele origin: germline. Inheritance: Autosomal dominant inheritance. Affected: yes.

NM_000429.3(MAT1A):c.-153C>T

Genes: MAT1A (methionine adenosyltransferase 1A; minus strand), LOC111982876 (Sharpr-MPRA regulatory region 13640; plus strand). Cytogenetic location: 10q22.3.
Variant type: single nucleotide variant.
Coding change: c.-153C>T on transcript NM_000429.3 (MANE Select); 153 bases upstream of the start codon, C replaced by T.
Molecular consequence: 5 prime UTR variant.
Genome position (GRCh38, 1-based): chr10:80,289,576, G>A on the plus strand (C>T on the coding strand, the complement: MAT1A is on the minus strand). VCF-style: chr10-80289576-G-A. GRCh37 (hg19) VCF-style: chr10-82049332-G-A.
Identifiers: ClinVar variation 301205 (VCV000301205.6), dbSNP rs11595587, ClinGen allele CA10632520.